The following is an entry in ClinVar:

ClinVar aggregate classification (germline): Uncertain significance. Review status: criteria provided, multiple submitters, no conflicts (2 of 4 stars). 2 submissions from 2 submitters: Uncertain significance (2). Last evaluated 2023-09-15.

Conditions:
Epidermolysis bullosa simplex 5B, with muscular dystrophy (EBS5B). Also called: Epidermolysis bullosa simplex with muscular dystrophy; EPIDERMOLYSIS BULLOSA SIMPLEX AND LIMB-GIRDLE MUSCULAR DYSTROPHY. Identifiers: Orphanet 257, MedGen C2931072, MONDO:0009181, OMIM 226670.
Epidermolysis bullosa simplex, Ogna type (EBS5A). Also called: Pidermolysis bullosa simplex 5A, Ogna type; EPIDERMOLYSIS BULLOSA SIMPLEX 5A, OGNA TYPE. Identifiers: Orphanet 79401, MedGen C0432317, MONDO:0007555, OMIM 131950.
Epidermolysis bullosa simplex 5C, with pyloric atresia (EBS5C). Also called: PLEC1-Related Epidermolysis Bullosa with Pyloric Atresia; PLEC-Related Epidermolysis Bullosa with Pyloric Atresia; Epidermolysis bullosa simplex with pyloric atresia. Identifiers: Orphanet 158684, MedGen C2677349, MONDO:0012807, OMIM 612138.
Epidermolysis bullosa simplex with nail dystrophy (EBS5D). Identifiers: MedGen C4225309, MONDO:0014661, OMIM 616487.
Autosomal recessive limb-girdle muscular dystrophy type 2Q (LGMDR17). Also called: MUSCULAR DYSTROPHY, LIMB-GIRDLE, AUTOSOMAL RECESSIVE 17. Identifiers: Orphanet 254361, MedGen C3150989, MONDO:0013390, OMIM 613723.

Allele frequency attached by ClinVar (database versions not stated): gnomAD exomes 0.00001 and 0.00002; gnomAD 0.00002; TOPMed 0.00002; ExAC 0.00003.

Submissions (2):

Labcorp Genetics (formerly Invitae), Labcorp
Classification: Uncertain significance for Autosomal recessive limb-girdle muscular dystrophy type 2Q; Epidermolysis bullosa simplex, Ogna type; Epidermolysis bullosa simplex with nail dystrophy; Epidermolysis bullosa simplex 5C, with pyloric atresia; Epidermolysis bullosa simplex 5B, with muscular dystrophy. Last evaluated: 2023-09-15. Review status: criteria provided, single submitter. Criteria: Invitae Variant Classification Sherloc (09022015). Collection method: clinical testing. Allele origin: germline.
Comment: This sequence change replaces valine, which is neutral and non-polar, with methionine, which is neutral and non-polar, at codon 3837 of the PLEC protein (p.Val3837Met). This variant is present in population databases (rs781838084, gnomAD 0.007%). In summary, the available evidence is currently insufficient to determine the role of this variant in disease. Therefore, it has been classified as a Variant of Uncertain Significance. An algorithm developed to predict the effect of missense changes on protein structure and function (PolyPhen-2) suggests that this variant is likely to be disruptive. ClinVar contains an entry for this variant (Variation ID: 1349471). This variant has not been reported in the literature in individuals affected with PLEC-related conditions.

Revvity Omics, Revvity
Classification: Uncertain significance. Last evaluated: 2021-04-29. Review status: criteria provided, single submitter. Criteria: ACMG Guidelines, 2015. Collection method: clinical testing. Allele origin: germline.

NM_201384.3(PLEC):c.11428G>A (p.Val3810Met)

Gene: PLEC (plectin; minus strand). Cytogenetic location: 8q24.3.
Variant type: single nucleotide variant.
Coding change: c.11428G>A on transcript NM_201384.3 (MANE Select); coding-DNA position 11428, G replaced by A.
Protein change: p.Val3810Met; replaces valine 3810 with methionine.
Molecular consequence: missense variant.
Genome position (GRCh38, 1-based): chr8:143,918,393, C>T on the plus strand (G>A on the coding strand, the complement: PLEC is on the minus strand). VCF-style: chr8-143918393-C-T. GRCh37 (hg19) VCF-style: chr8-144992561-C-T.
Other names: c.11509G>A, p.Val3837Met (NM_000445.5); c.11386G>A, p.Val3796Met (NM_201378.4); c.11362G>A, p.Val3788Met (NM_201379.3); c.11839G>A, p.Val3947Met (NM_201380.4); c.11332G>A, p.Val3778Met (NM_201381.3); c.11428G>A, p.Val3810Met (NM_201382.4); c.11440G>A, p.Val3814Met (NM_201383.3); short protein forms V3796M, V3814M, V3778M, V3788M, V3810M, V3837M, V3947M.
Identifiers: ClinVar variation 1349471 (VCV001349471.8), dbSNP rs781838084, ClinGen allele CA4924352.
Genomic context (GRCh38, chr8:143,918,393, plus strand): 5'-TGAGGTAGCCACGCTGGTAAGCCACCTCCAGGGGAAGGTGGAAGCCCAGGCGGGGGTCCA[C>T]GATGCCGCCGGTGGCCAGCTGGGCATCCAGCAGCCGCAGGGCCTCCTCAGTAGGGATCAG-3'
Protein context (NP_958786.1, residues 3800-3820): LDAQLATGGI[Val3810Met]DPRLGFHLPL